The following is an entry in ClinVar:

ClinVar aggregate classification (germline): Uncertain significance. Review status: criteria provided, multiple submitters, no conflicts (2 of 4 stars). 2 submissions from 2 submitters: Uncertain significance (2). Last evaluated 2025-09-24.

Conditions:
Cardiovascular phenotype. Identifiers: MedGen CN230736.

Allele frequency attached by ClinVar (database versions not stated): ESP Exome Variant Server 0.00008; 1000 Genomes Project 30x 0.00016.
gnomAD v4.1: 12 of 1,614,116 alleles (0.00074%); highest among the groups gnomAD compares: African/African-American, 0.015%; no homozygotes.

Submissions (2):

Labcorp Genetics (formerly Invitae), Labcorp
Classification: Uncertain significance. Last evaluated: 2025-09-24. Review status: criteria provided, single submitter. Criteria: Invitae Variant Classification Sherloc (09022015). Collection method: clinical testing. Allele origin: germline.
Comment: This sequence change replaces leucine, which is neutral and non-polar, with methionine, which is neutral and non-polar, at codon 1854 of the ALPK3 protein (p.Leu1854Met). This variant is present in population databases (rs139738663, gnomAD 0.03%). This variant has not been reported in the literature in individuals affected with ALPK3-related conditions. ClinVar contains an entry for this variant (Variation ID: 1375747). Invitae Evidence Modeling of protein sequence and biophysical properties (such as structural, functional, and spatial information, amino acid conservation, physicochemical variation, residue mobility, and thermodynamic stability) indicates that this missense variant is expected to disrupt ALPK3 protein function with a positive predictive value of 80%. In summary, the available evidence is currently insufficient to determine the role of this variant in disease. Therefore, it has been classified as a Variant of Uncertain Significance.

Ambry Genetics
Classification: Uncertain significance for Cardiovascular phenotype. Last evaluated: 2023-11-23. Review status: criteria provided, single submitter. Criteria: Ambry Variant Classification Scheme 2023. Collection method: clinical testing. Allele origin: germline.
Comment: The p.L1854M variant (also known as c.5560C>A), located in coding exon 14 of the ALPK3 gene, results from a C to A substitution at nucleotide position 5560. The leucine at codon 1854 is replaced by methionine, an amino acid with highly similar properties. This amino acid position is not well conserved in available vertebrate species. In addition, this alteration is predicted to be tolerated by in silico analysis. Since supporting evidence is limited at this time, the clinical significance of this alteration remains unclear.

NM_020778.5(ALPK3):c.4954C>A (p.Leu1652Met)

Gene: ALPK3 (alpha kinase 3; plus strand). Cytogenetic location: 15q25.3.
Variant type: single nucleotide variant.
Coding change: c.4954C>A on transcript NM_020778.5 (MANE Select); coding-DNA position 4954, C replaced by A.
Protein change: p.Leu1652Met; replaces leucine 1652 with methionine.
Molecular consequence: missense variant.
Genome position (GRCh38, 1-based): chr15:84,868,292, C>A. VCF-style: chr15-84868292-C-A. GRCh37 (hg19) VCF-style: chr15-85411523-C-A.
Other names: short protein forms L1652M.
Identifiers: ClinVar variation 1375747 (VCV001375747.10), dbSNP rs139738663, ClinGen allele CA7710124.